The following is an entry in ClinVar:

ClinVar aggregate classification (germline): Pathogenic (1 of 4 stars; one submission).

Submission:

Labcorp Genetics (formerly Invitae), Labcorp
Classification: Pathogenic. Last evaluated: 2024-05-16. Review status: criteria provided, single submitter. Criteria: Invitae Variant Classification Sherloc (09022015). Collection method: clinical testing. Allele origin: germline.
Comment: This sequence change creates a premature translational stop signal (p.Gly365Glufs*33) in the NAA15 gene. It is expected to result in an absent or disrupted protein product. Loss-of-function variants in NAA15 are known to be pathogenic (PMID: 28191889, 29656860). This variant is not present in population databases (gnomAD no frequency). This variant has not been reported in the literature in individuals affected with NAA15-related conditions. For these reasons, this variant has been classified as Pathogenic.

Literature cited by the submitters: PubMed 28191889; PubMed 29656860.

NM_057175.5(NAA15):c.1094del (p.Gly365fs)

Gene: NAA15 (N-alpha-acetyltransferase 15, NatA auxiliary subunit; plus strand). Cytogenetic location: 4q31.1.
Variant type: Deletion.
Coding change: c.1094del on transcript NM_057175.5 (MANE Select); coding-DNA position 1094, one base deleted (G; older notation c.1094delG).
Protein change: p.Gly365fs; shifts the reading frame from glycine 365.
Molecular consequence: frameshift variant.
Genome position (GRCh38, 1-based): chr4:139,357,392, G deleted; the last of 2 consecutive G bases (chr4:139,357,391-139,357,392); deleting either gives the same sequence. VCF-style (leftmost placement, unchanged base first): chr4-139357390-TG-T. GRCh37 (hg19) VCF-style: chr4-140278544-TG-T.
Other names: c.1094del, p.Gly365fs (NM_001410842.1); short protein forms G365fs.
Identifiers: ClinVar variation 3653583 (VCV003653583.2).